The following is an entry in ClinVar:

ClinVar aggregate classification (germline): Uncertain significance (1 of 4 stars; one submission).

Conditions:
Developmental and epileptic encephalopathy, 53. Also called: Epileptic encephalopathy, early infantile, 53. Identifiers: MedGen C4479313, MONDO:0033362, OMIM 617389.
Early-onset Parkinson disease 20. Also called: PARKINSON DISEASE 20, AUTOSOMAL RECESSIVE EARLY-ONSET. Identifiers: Orphanet 391411, MedGen C3809824, MONDO:0014233, OMIM 615530.

Submission:

Labcorp Genetics (formerly Invitae), Labcorp
Classification: Uncertain significance for Developmental and epileptic encephalopathy, 53; Early-onset Parkinson disease 20. Last evaluated: 2021-02-18. Review status: criteria provided, single submitter. Criteria: Invitae Variant Classification Sherloc (09022015). Collection method: clinical testing. Allele origin: germline.
Comment: In summary, the available evidence is currently insufficient to determine the role of this variant in disease. Therefore, it has been classified as a Variant of Uncertain Significance. Algorithms developed to predict the effect of missense changes on protein structure and function are either unavailable or do not agree on the potential impact of this missense change (SIFT: "Deleterious"; PolyPhen-2: "Benign"; Align-GVGD: "Class C0"). This variant has not been reported in the literature in individuals with SYNJ1-related conditions. This variant is not present in population databases (ExAC no frequency). This sequence change replaces threonine with arginine at codon 1232 of the SYNJ1 protein (p.Thr1232Arg). The threonine residue is weakly conserved and there is a moderate physicochemical difference between threonine and arginine.

NM_203446.3(SYNJ1):c.3578C>G (p.Thr1193Arg)

Gene: SYNJ1 (synaptojanin 1; minus strand). Cytogenetic location: 21q22.11.
Variant type: single nucleotide variant.
Coding change: c.3578C>G on transcript NM_203446.3 (MANE Select); coding-DNA position 3578, C replaced by G.
Protein change: p.Thr1193Arg; replaces threonine 1193 with arginine.
Molecular consequence: missense variant.
Genome position (GRCh38, 1-based): chr21:32,641,906, G>C on the plus strand (C>G on the coding strand, the complement: SYNJ1 is on the minus strand). VCF-style: chr21-32641906-G-C. GRCh37 (hg19) VCF-style: chr21-34014216-G-C.
Other names: c.3530C>G, p.Thr1177Arg (NM_001160302.2); c.3437C>G, p.Thr1146Arg (NM_001160306.2); c.3695C>G, p.Thr1232Arg (NM_003895.4); short protein forms T1232R, T1146R, T1177R, T1193R.
Identifiers: ClinVar variation 1472109 (VCV001472109.8), dbSNP rs1308363849, ClinGen allele CA410065340.
Genomic context (GRCh38, chr21:32,641,906, plus strand): 5'-AACAGGACTTAGAACCGAGACCCCTTGGCCCCAGGCGAGGTTTTACCTACCGGTCTGGCT[G>C]TACTGTATCCAGCAGGTCCTGGGCCTGCAAGTCCTGCTTGAGGTGAAGGCTGACTGCGTC-3'
Protein context (NP_982271.3, residues 1183-1203): LAGPGPAGYS[Thr1193Arg]ARPTIPPRAG